The following is an entry in ClinVar:

ClinVar aggregate classification (germline): Pathogenic. Review status: criteria provided, multiple submitters, no conflicts (2 of 4 stars). 2 submissions from 2 submitters: Pathogenic (2). Last evaluated 2015-02-18.

Conditions:
Capillary malformation-arteriovenous malformation 1 (CMAVM1). Identifiers: Orphanet 137667, Orphanet 693907, MedGen C4747394, MONDO:0020783, OMIM 608354.

Submissions (2):

GeneDx
Classification: Pathogenic. Last evaluated: 2015-02-18. Review status: criteria provided, single submitter. Criteria: GeneDx Variant Classification (06012015). Collection method: clinical testing. Allele origin: germline. Affected: yes.
Comment: c.2690+1 G>A: IVS20+1 G>A in intron 20 of the RASA1 gene (NM_002890.2) Mutations in RASA1 are responsible for capillary malformation-arteriovenous malformation syndrome (CM-AVM) and, in some cases, Parkes Weber syndrome, which is characterized by a cutaneous capillary malformation associated with underlying arteriovenous fistulas and soft tissue and skeletal hypertrophy of the affected limb (Bayrak-Toydemir P & Stevenson D, 2013). Although the c.2690+1 G>A mutation has not been reported as a disease-causing mutation nor as a benign polymorphism to our knowledge, this mutation destroys the canonical splice donor site in intron 20 and is predicted to cause abnormal gene splicing. The mutation is predicted to lead to either an abnormal message that is subject to nonsense-mediated mRNA decay, or to an abnormal protein product if the message is used for protein translation. Other splice site mutations in the RASA1 gene have been reported in association with CM-AVM . In summary, c.2690+1 G>A in the RASA1 gene is interpreted as a disease-causing mutation. This variant was found in RASA1,HHT-ARRHYTHMIA

Clinical Genetics Service, Universitary Hospital 12 de Octubre
Classification: Pathogenic for Capillary malformation-arteriovenous malformation 1. Review status: criteria provided, single submitter. Criteria: ACMG Guidelines, 2015. Collection method: clinical testing. Allele origin: maternal. Affected: yes.

NM_002890.3(RASA1):c.2690+1G>A

Genes: CCNH (cyclin H; minus strand), RASA1 (RAS p21 protein activator 1; plus strand). Cytogenetic location: 5q14.3.
Variant type: single nucleotide variant.
Coding change: c.2690+1G>A on transcript NM_002890.3 (MANE Select); the canonical splice donor site of the intron after coding-DNA position 2690, G replaced by A.
Molecular consequence: splice donor variant. On other transcripts: intron variant (1).
Genome position (GRCh38, 1-based): chr5:87,380,596, G>A. VCF-style: chr5-87380596-G-A. GRCh37 (hg19) VCF-style: chr5-86676413-G-A.
Other names: c.2159+1G>A (NM_022650.3); c.933+14448C>T (NM_001364075.2).
Identifiers: ClinVar variation 213661 (VCV000213661.5), dbSNP rs863223719, ClinGen allele CA322408.
Genomic context (GRCh38, chr5:87,380,596, plus strand): 5'-ACAGAAATCTGTTCAGCATAAGTGGCCTACAAATACCACCATGAGAACAAGAGTTGTTAG[G>A]TAAGGCTCATCAATTGATTTGTTAAATCACATACTAATAGGTGGATAATTGTGAAAAATT-3'